The following is an entry in ClinVar:

ClinVar aggregate classification (germline): Likely pathogenic (1 of 4 stars; one submission).

Conditions:
Very long chain acyl-CoA dehydrogenase deficiency (ACADVLD). Also called: VLCAD Deficiency; Very Long-Chain Acyl-Coenzyme A Dehydrogenase Deficiency. Identifiers: Orphanet 26793, MedGen C3887523, MONDO:0008723, OMIM 201475.

Submission:

Natera, Inc.
Classification: Likely pathogenic for Very long chain acyl-CoA dehydrogenase deficiency. Last evaluated: 2025-02-19. Review status: criteria provided, single submitter. Criteria: Natera Variant Classification Schema (03/2026). Collection method: clinical testing. Allele origin: germline.
Comment: The c.1239dup variant in ACADVL is a frameshift variant predicted to shift the reading frame beginning at codon 414 and leads to a stop codon 19 codons downstream. This variant is expected to result in nonsense mediated decay, truncation, or a dysfunctional protein product. This variant is rare in the general population with a frequency below the threshold expected for the associated phenotype(s). Given the available evidence, this variant is classified as Likely Pathogenic.

NM_000018.4(ACADVL):c.1239dup (p.Glu414fs)

Gene: ACADVL (acyl-CoA dehydrogenase very long chain; plus strand). Cytogenetic location: 17p13.1.
Variant type: Duplication.
Coding change: c.1239dup on transcript NM_000018.4 (MANE Select); coding-DNA position 1239, one base duplicated (A; older notation c.1239dupA).
Protein change: p.Glu414fs; shifts the reading frame from glutamic acid 414.
Molecular consequence: frameshift variant.
Genome position (GRCh38, 1-based): chr17:7,223,700, A duplicated. VCF-style (leftmost placement, unchanged base first): chr17-7223699-T-TA. GRCh37 (hg19) VCF-style: chr17-7127018-T-TA.
Other names: c.1173dup, p.Glu392fs (NM_001033859.3); c.1308dup, p.Glu437fs (NM_001270447.2); c.1011dup, p.Glu338fs (NM_001270448.2); short protein forms E338fs, E392fs, E414fs, E437fs.
Identifiers: ClinVar variation 4065219 (VCV004065219.2).